The following is an entry in ClinVar:

ClinVar aggregate classification (germline): Uncertain significance. Review status: criteria provided, multiple submitters, no conflicts (2 of 4 stars). 3 submissions from 3 submitters: Uncertain significance (3). Last evaluated 2025-09-15.

Conditions:
Familial thoracic aortic aneurysm and aortic dissection (TAAD). Also called: Thoracic aortic aneurysms and dissections. Identifiers: Orphanet 91387, MedGen C4707243, MONDO:0019625.
Aortic aneurysm, familial thoracic 4 (AAT4). Also called: AORTIC ANEURYSM/AORTIC DISSECTION AND PATENT DUCTUS ARTERIOSUS. Identifiers: MedGen C1851504, MONDO:0007568, OMIM 132900.

Allele frequency attached by ClinVar (database versions not stated): 1000 Genomes Project 30x 0.00016.
gnomAD v4.1: 1 of 1,613,924 alleles (0.000062%); highest among the groups gnomAD compares: Non-Finnish European, 0.000085%; no homozygotes.

Submissions (3):

Color Diagnostics, LLC DBA Color Health
Classification: Uncertain significance for Familial thoracic aortic aneurysm and aortic dissection. Last evaluated: 2025-09-15. Review status: criteria provided, single submitter. Criteria: ACMG Guidelines, 2015. Collection method: clinical testing. Allele origin: germline.
Comment: This missense variant replaces serine with arginine at codon 1072 of the MYH11 protein. Computational prediction suggests that this variant may not impact protein structure and function. To our knowledge, functional studies have not been reported for this variant. This variant has not been reported in individuals affected with MYH11-related disorders in the literature. This variant has been identified in 1/251282 chromosomes in the general population by the Genome Aggregation Database (gnomAD). The available evidence is insufficient to determine the role of this variant in disease conclusively. Therefore, this variant is classified as a Variant of Uncertain Significance.

Labcorp Genetics (formerly Invitae), Labcorp
Classification: Uncertain significance for Aortic aneurysm, familial thoracic 4. Last evaluated: 2025-06-24. Review status: criteria provided, single submitter. Criteria: Invitae Variant Classification Sherloc (09022015). Collection method: clinical testing. Allele origin: germline.
Comment: This sequence change replaces serine, which is neutral and polar, with arginine, which is basic and polar, at codon 1072 of the MYH11 protein (p.Ser1072Arg). This variant is present in population databases (rs202136377, gnomAD 0.0009%). This variant has not been reported in the literature in individuals affected with MYH11-related conditions. ClinVar contains an entry for this variant (Variation ID: 1318362). Invitae Evidence Modeling of protein sequence and biophysical properties (such as structural, functional, and spatial information, amino acid conservation, physicochemical variation, residue mobility, and thermodynamic stability) indicates that this missense variant is not expected to disrupt MYH11 protein function with a negative predictive value of 95%. In summary, the available evidence is currently insufficient to determine the role of this variant in disease. Therefore, it has been classified as a Variant of Uncertain Significance.

GeneDx
Classification: Uncertain significance. Last evaluated: 2019-10-10. Review status: criteria provided, single submitter. Criteria: GeneDx Variant Classification Process June 2021. Collection method: clinical testing. Allele origin: germline. Affected: yes.
Comment: Has not been previously published as pathogenic or benign to our knowledge; Not observed at a significant frequency in large population cohorts (Lek et al., 2016); In silico analysis, which includes protein predictors and evolutionary conservation, supports that this variant does not alter protein structure/function

NM_002474.3(MYH11):c.3195C>A (p.Ser1065Arg)

Gene: MYH11 (myosin heavy chain 11; minus strand). Cytogenetic location: 16p13.11.
Variant type: single nucleotide variant.
Coding change: c.3195C>A on transcript NM_002474.3 (MANE Select); coding-DNA position 3195, C replaced by A.
Protein change: p.Ser1065Arg; replaces serine 1065 with arginine.
Molecular consequence: missense variant.
Genome position (GRCh38, 1-based): chr16:15,737,547, G>T on the plus strand (C>A on the coding strand, the complement: MYH11 is on the minus strand). VCF-style: chr16-15737547-G-T. GRCh37 (hg19) VCF-style: chr16-15831404-G-T.
Other names: c.3216C>A, p.Ser1072Arg (NM_001040113.2, NM_001040114.2); c.3195C>A, p.Ser1065Arg (NM_022844.3); short protein forms S1065R, S1072R.
Identifiers: ClinVar variation 1318362 (VCV001318362.6), dbSNP rs202136377, ClinGen allele CA7922067.